The following is an entry in ClinVar:

NM_052947.4(ALPK2):c.11C>T (p.Ser4Phe)

Gene: ALPK2 (alpha kinase 2; minus strand). Cytogenetic location: 18q21.32.
Variant type: single nucleotide variant.
Coding change: c.11C>T on transcript NM_052947.4 (MANE Select); coding-DNA position 11, C replaced by T.
Protein change: p.Ser4Phe; replaces serine 4 with phenylalanine.
Molecular consequence: missense variant.
Genome position (GRCh38, 1-based): chr18:58,611,787, G>A on the plus strand (C>T on the coding strand, the complement: ALPK2 is on the minus strand). VCF-style: chr18-58611787-G-A. GRCh37 (hg19) VCF-style: chr18-56279019-G-A.
Other names: short protein forms S4F.
Identifiers: ClinVar variation 3531978 (VCV003531978.1).
Genomic context (GRCh38, chr18:58,611,787, plus strand): 5'-GGAACCTTCTGGGAAAGCAATGTAGATAAAAAACACAGCGGGGGCCTCTGGGGCCCTTCG[G>A]AGTCTTTCATCCTTTCATGCCGCACCAAATCTGAAAAAAAAAAAAATCCCCGACATCACC-3'
Protein context (NP_443179.3, residues 1-14): MKD[Ser4Phe]EGPQRPPLCF

ClinVar aggregate classification (germline): Uncertain significance (1 of 4 stars; one submission).

Submission:

Ambry Genetics
Classification: Uncertain significance. Last evaluated: 2024-11-03. Review status: criteria provided, single submitter. Criteria: Ambry Variant Classification Scheme 2023. Collection method: clinical testing. Allele origin: germline.
Comment: The p.S4F variant (also known as c.11C>T), located in coding exon 1 of the ALPK2 gene, results from a C to T substitution at nucleotide position 11. The serine at codon 4 is replaced by phenylalanine, an amino acid with highly dissimilar properties. This amino acid position is conserved. In addition, this alteration is predicted to be tolerated by in silico analysis. Based on the available evidence, the clinical significance of this variant remains unclear.